The following is an entry in ClinVar:

ClinVar aggregate classification (germline): Benign/Likely benign. Review status: criteria provided, multiple submitters, no conflicts (2 of 4 stars). 6 submissions from 6 submitters: Benign (2); Likely benign (2). 2 of the submissions do not count toward it. Last evaluated 2026-02-01.

Conditions:
Abetalipoproteinaemia (ABL). Also called: MTP DEFICIENCY; Abetalipoproteinemia; Abetalipoproteinemia neuropathy; Apolipoprotein B deficiency; Congenital betalipoprotein deficiency syndrome. Identifiers: Orphanet 14, MedGen C0000744, MONDO:0008692, OMIM 200100, HP:0008181.

Allele frequency attached by ClinVar (database versions not stated): gnomAD exomes 0.00130 and 0.00142; ExAC 0.00152; gnomAD 0.00168 and 0.00176; 1000 Genomes Project 30x 0.00172; 1000 Genomes Project 0.00180; TOPMed 0.00195; ESP Exome Variant Server 0.00284.
gnomAD v4.1: 2,147 of 1,613,690 alleles (0.13%); highest among the groups gnomAD compares: African/African-American, 0.35%; 2 homozygotes.

Submissions (6):

Labcorp Genetics (formerly Invitae), Labcorp
Classification: Benign. Last evaluated: 2026-02-01. Review status: criteria provided, single submitter. Criteria: Invitae Variant Classification Sherloc (09022015). Collection method: clinical testing. Allele origin: germline.

Women's Health and Genetics/Laboratory Corporation of America, LabCorp
Classification: Benign. Last evaluated: 2025-11-24. Review status: criteria provided, single submitter. Criteria: LabCorp Variant Classification Summary - May 2015. Collection method: clinical testing. Allele origin: germline.

Blueprint Genetics
Classification: Likely benign. Last evaluated: 2024-10-21. Review status: criteria provided, single submitter. Criteria: ACMG Guidelines, 2015. Collection method: clinical testing. Allele origin: germline.

Illumina Laboratory Services, Illumina
Classification: Likely benign for Abetalipoproteinaemia. Last evaluated: 2018-01-13. Review status: criteria provided, single submitter. Criteria: ICSL Variant Classification Criteria 13 December 2019. Collection method: clinical testing. Allele origin: germline.
Comment: This variant was observed in the ICSL laboratory as part of a predisposition screen in an ostensibly healthy population. It had not been previously curated by ICSL or reported in the Human Gene Mutation Database (HGMD: prior to June 1st, 2018), and was therefore a candidate for classification through an automated scoring system. Utilizing variant allele frequency, disease prevalence and penetrance estimates, and inheritance mode, an automated score was calculated to assess if this variant is too frequent to cause the disease. Based on the score and internal cut-off values, a variant classified as likely benign is not then subjected to further curation. The score for this variant resulted in a classification of likely benign for this disease.

Clinical Genetics, Academic Medical Center
Classification: Benign. Review status: no assertion criteria provided. Collection method: clinical testing. Allele origin: germline. Affected: yes. Study: VKGL Data-share Consensus. Not counted in ClinVar's aggregate classification.

Diagnostic Laboratory, Department of Genetics, University Medical Center Groningen
Classification: Likely benign for Abetalipoproteinaemia. Review status: no assertion criteria provided. Collection method: clinical testing. Allele origin: germline. Affected: yes. Study: VKGL Data-share Consensus. Not counted in ClinVar's aggregate classification.

NM_001386140.1(MTTP):c.2513+13G>A

Gene: MTTP (microsomal triglyceride transfer protein; plus strand). Cytogenetic location: 4q23.
Variant type: single nucleotide variant.
Coding change: c.2513+13G>A on transcript NM_001386140.1 (MANE Select); 13 bases into the intron after coding-DNA position 2513, G replaced by A.
Molecular consequence: intron variant.
Genome position (GRCh38, 1-based): chr4:99,621,244, G>A. VCF-style: chr4-99621244-G-A. GRCh37 (hg19) VCF-style: chr4-100542401-G-A.
Other names: c.2513+13G>A (NM_000253.4); c.2264+13G>A (NM_001300785.2).
Identifiers: ClinVar variation 347044 (VCV000347044.16), dbSNP rs148073215, ClinGen allele CA3022378.